The following is an entry in ClinVar:

NM_000233.4(LHCGR):c.1691A>T (p.Asp564Val)

Genes: STON1-GTF2A1L (STON1-GTF2A1L readthrough; plus strand), LHCGR (luteinizing hormone/choriogonadotropin receptor; minus strand). Cytogenetic location: 2p16.3.
Variant type: single nucleotide variant.
Coding change: c.1691A>T on transcript NM_000233.4 (MANE Select); coding-DNA position 1691, A replaced by T.
Protein change: p.Asp564Val; replaces aspartic acid 564 with valine.
Molecular consequence: missense variant. On other transcripts: intron variant (1).
Genome position (GRCh38, 1-based): chr2:48,688,106, T>A on the plus strand (A>T on the coding strand, the complement: LHCGR is on the minus strand). VCF-style: chr2-48688106-T-A. GRCh37 (hg19) VCF-style: chr2-48915245-T-A.
Other names: c.3441+16426T>A (NM_001198593.2); short protein forms D564V.
Identifiers: ClinVar variation 1458111 (VCV001458111.7), dbSNP rs121912540, ClinGen allele CA346745190.
Genomic context (GRCh38, chr2:48,688,106, plus strand): 5'-GGTGCCATGCAGGTGAAATCGGTGAAGATGAGGATTGCCATTTTCTTAGCAATCTTTGTA[T>A]CTTTATTGGTAGCCATTAATTCTGGGTTTCGAACTGCAAAATAAATTTTAATGTAGCAAG-3'
Protein context (NP_000224.2, residues 554-574): RNPELMATNK[Asp564Val]TKIAKKMAIL

ClinVar aggregate classification (germline): Pathogenic. Review status: criteria provided, multiple submitters, no conflicts (2 of 4 stars). 2 submissions from 2 submitters: Pathogenic (2). Last evaluated 2025-07-15.

Conditions:
Gonadotropin-independent familial sexual precocity. Also called: TESTOTOXICOSIS, FAMILIAL; Familial male-limited precocious puberty. Identifiers: Orphanet 3000, MedGen C0342549, MONDO:0008303, OMIM 176410.

Submissions (2):

Women's Health and Genetics/Laboratory Corporation of America, LabCorp
Classification: Pathogenic for Gonadotropin-independent familial sexual precocity. Last evaluated: 2025-07-15. Review status: criteria provided, single submitter. Criteria: LabCorp Variant Classification Summary - May 2015. Collection method: clinical testing. Allele origin: germline.
Comment: Variant summary: LHCGR c.1691A>T (p.Asp564Val) results in a non-conservative amino acid change in the encoded protein sequence. Algorithms developed to predict the effect of missense changes on protein structure and function are either unavailable or do not agree on the potential impact of this missense change. The variant was absent in 251388 control chromosomes. c.1691A>T has been observed in individuals affected with Familial Male-Limited Precocious Puberty (example: Chan_2005, internal data). These data indicate that the variant may be associated with disease. A different variant affecting the same codon has been classified as pathogenic by our lab (c.1691A>G, p.Asp564Gly), supporting the critical relevance of codon 564 to LHCGR protein function. At least one publication reports experimental evidence that codon 564 is crucial for luteinizing hormone/choriogonadotropin receptor function (example: Mukherjee_2002). The following publications have been ascertained in the context of this evaluation (PMID: 15719037, 11867621). ClinVar contains an entry for this variant (Variation ID: 1458111). Based on the evidence outlined above, the variant was classified as pathogenic.

Labcorp Genetics (formerly Invitae), Labcorp
Classification: Pathogenic. Last evaluated: 2021-10-07. Review status: criteria provided, single submitter. Criteria: Invitae Variant Classification Sherloc (09022015). Collection method: clinical testing. Allele origin: germline.
Comment: This sequence change replaces aspartic acid with valine at codon 564 of the LHCGR protein (p.Asp564Val). The aspartic acid residue is highly conserved and there is a large physicochemical difference between aspartic acid and valine. For these reasons, this variant has been classified as Pathogenic. This variant disrupts the p.Asp564 amino acid residue in LHCGR. Other variant(s) that disrupt this residue have been determined to be pathogenic (PMID: 7892197, 10084607, 16887451; Invitae). This suggests that this residue is clinically significant, and that variants that disrupt this residue are likely to be disease-causing. Experimental studies have shown that this missense change affects LHCGR function (PMID: 11867621). Advanced modeling of protein sequence and biophysical properties (such as structural, functional, and spatial information, amino acid conservation, physicochemical variation, residue mobility, and thermodynamic stability) performed at Invitae indicates that this missense variant is expected to disrupt LHCGR protein function. This missense change has been observed in individuals with male-limited precocious puberty (PMID: 15719037). This variant is not present in population databases (ExAC no frequency).

Literature cited by the submitters: PubMed 15719037 (cited by Women's Health and Genetics/Laboratory Corporation of America, LabCorp and Labcorp Genetics (formerly Invitae), Labcorp); PubMed 11867621 (cited by Women's Health and Genetics/Laboratory Corporation of America, LabCorp and Labcorp Genetics (formerly Invitae), Labcorp); PubMed 7892197 (cited by Labcorp Genetics (formerly Invitae), Labcorp); PubMed 10084607 (cited by Labcorp Genetics (formerly Invitae), Labcorp); PubMed 16887451 (cited by Labcorp Genetics (formerly Invitae), Labcorp).